The following is an entry in ClinVar:

NM_015557.3(CHD5):c.5212C>T (p.Arg1738Trp)

Gene: CHD5 (chromodomain helicase DNA binding protein 5; minus strand). Cytogenetic location: 1p36.31.
Variant type: single nucleotide variant.
Coding change: c.5212C>T on transcript NM_015557.3 (MANE Select); coding-DNA position 5212, C replaced by T.
Protein change: p.Arg1738Trp; replaces arginine 1738 with tryptophan.
Molecular consequence: missense variant.
Genome position (GRCh38, 1-based): chr1:6,111,812, G>A on the plus strand (C>T on the coding strand, the complement: CHD5 is on the minus strand). VCF-style: chr1-6111812-G-A. GRCh37 (hg19) VCF-style: chr1-6171872-G-A.
Other names: short protein forms R1738W.
Identifiers: ClinVar variation 2414336 (VCV002414336.6), dbSNP rs1463998531, ClinGen allele CA338066054.

ClinVar aggregate classification (germline): Uncertain significance (1 of 4 stars; one submission).

Allele frequency attached by ClinVar (database versions not stated): gnomAD exomes below 0.00001.
gnomAD v4.1: 4 of 1,613,502 alleles (0.00025%); highest among the groups gnomAD compares: African/African-American, 0.0013%; no homozygotes.

Submission:

Labcorp Genetics (formerly Invitae), Labcorp
Classification: Uncertain significance. Last evaluated: 2022-07-26. Review status: criteria provided, single submitter. Criteria: Invitae Variant Classification Sherloc (09022015). Collection method: clinical testing. Allele origin: germline.
Comment: This sequence change replaces arginine, which is basic and polar, with tryptophan, which is neutral and slightly polar, at codon 1738 of the CHD5 protein (p.Arg1738Trp). The frequency data for this variant in the population databases is considered unreliable, as metrics indicate poor data quality at this position in the gnomAD database. This variant has not been reported in the literature in individuals affected with CHD5-related conditions. Algorithms developed to predict the effect of missense changes on protein structure and function (SIFT, PolyPhen-2, Align-GVGD) all suggest that this variant is likely to be disruptive. In summary, the available evidence is currently insufficient to determine the role of this variant in disease. Therefore, it has been classified as a Variant of Uncertain Significance.